The following is an entry in ClinVar:

NM_181507.2(HPS5):c.3058+9A>G

Gene: HPS5 (HPS5 biogenesis of lysosomal organelles complex 2 subunit 2; minus strand). Cytogenetic location: 11p15.1.
Variant type: single nucleotide variant.
Coding change: c.3058+9A>G on transcript NM_181507.2 (MANE Select); 9 bases into the intron after coding-DNA position 3058, A replaced by G.
Molecular consequence: intron variant.
Genome position (GRCh38, 1-based): chr11:18,283,786, T>C on the plus strand (A>G on the coding strand, the complement: HPS5 is on the minus strand). VCF-style: chr11-18283786-T-C. GRCh37 (hg19) VCF-style: chr11-18305333-T-C.
Other names: p.?; c.2596+9A>G (NM_001440930.1); c.2716+9A>G (NM_007216.4, NM_001440923.1, NM_001440926.1 and 5 more transcripts); c.2773+9A>G (NM_001440924.1); c.2983+9A>G (NM_001440909.1, NM_001440908.1, NM_001440907.1); c.2947+9A>G (NM_001440913.1, NM_001440915.1, NM_001440914.1); c.2845+9A>G (NM_001440919.1); c.2938+9A>G (NM_001440916.1); and 6 more.
Identifiers: ClinVar variation 163676 (VCV000163676.21), dbSNP rs2049129, ClinGen allele CA176330.

ClinVar aggregate classification (germline): Benign/Likely benign. Review status: criteria provided, multiple submitters, no conflicts (2 of 4 stars). 8 submissions from 8 submitters: Benign (7); Likely benign (1). Last evaluated 2026-02-04.

Conditions:
Hermansky-Pudlak syndrome 5 (HPS5). Identifiers: Orphanet 231512, Orphanet 79430, MedGen C3888004, MONDO:0013557, OMIM 614074.

Allele frequency attached by ClinVar (database versions not stated): 1000 Genomes Project 0.13219; 1000 Genomes Project 30x 0.13960; gnomAD exomes 0.14712 and 0.16882; ExAC 0.15063; TOPMed 0.19025; gnomAD 0.20713; ESP Exome Variant Server 0.21172.
gnomAD v4.1: 270,420 of 1,582,672 alleles (17%); highest among the groups gnomAD compares: African/African-American, 29%; 25,200 homozygotes.

Submissions (8):

Labcorp Genetics (formerly Invitae), Labcorp
Classification: Benign. Last evaluated: 2026-02-04. Review status: criteria provided, single submitter. Criteria: Invitae Variant Classification Sherloc (09022015). Collection method: clinical testing. Allele origin: germline.

Blueprint Genetics
Classification: Likely benign. Last evaluated: 2024-11-27. Review status: criteria provided, single submitter. Criteria: ACMG Guidelines, 2015. Collection method: clinical testing. Allele origin: germline.

Mayo Clinic Laboratories, Mayo Clinic
Classification: Benign. Last evaluated: 2022-09-29. Review status: criteria provided, single submitter. Criteria: ACMG Guidelines, 2015. Collection method: clinical testing. Allele origin: germline. Observed: 137 variant alleles.

GeneDx
Classification: Benign. Last evaluated: 2018-11-12. Review status: criteria provided, single submitter. Criteria: GeneDx Variant Classification Process June 2021. Collection method: clinical testing. Allele origin: germline. Affected: yes.

Illumina Laboratory Services, Illumina
Classification: Benign for Hermansky-Pudlak syndrome 5. Last evaluated: 2018-01-13. Review status: criteria provided, single submitter. Criteria: ICSL Variant Classification Criteria 13 December 2019. Collection method: clinical testing. Allele origin: germline.
Comment: This variant was observed in the ICSL laboratory as part of a predisposition screen in an ostensibly healthy population. It had not been previously curated by ICSL or reported in the Human Gene Mutation Database (HGMD: prior to June 1st, 2018), and was therefore a candidate for classification through an automated scoring system. Utilizing variant allele frequency, disease prevalence and penetrance estimates, and inheritance mode, an automated score was calculated to assess if this variant is too frequent to cause the disease. Based on the score and internal cut-off values, a variant classified as benign is not then subjected to further curation. The score for this variant resulted in a classification of benign for this disease.

Laboratory for Molecular Medicine, Mass General Brigham Personalized Medicine
Classification: Benign. Last evaluated: 2013-02-21. Review status: criteria provided, single submitter. Criteria: LMM Criteria. Collection method: clinical testing. Allele origin: germline. Observed: 34 variant alleles.
Comment: 3058+9A>G in intron 21 of HPS5: This variant is not expected to have clinical si gnificance because it is not located within the conserved splice consensus seque nce. It has been identified in 27.9% (1227/4398) of African American chromosomes from a broad population by the NHLBI Exome Sequencing Project (dbSNP rs2049129).

Breakthrough Genomics
Classification: Benign. Review status: criteria provided, single submitter. Criteria: ACMG Guidelines, 2015. Collection method: not provided. Allele origin: germline. Inheritance: Autosomal recessive inheritance. Affected: yes.

PreventionGenetics, part of Exact Sciences
Classification: Benign. Review status: criteria provided, single submitter. Criteria: ACMG Guidelines, 2015. Collection method: clinical testing. Allele origin: germline.